The following is an entry in ClinVar:

ClinVar aggregate classification (germline): Likely benign (0 of 4 stars; one submission).

Conditions:
TALDO1-related disorder. Also called: TALDO1-related condition.

Allele frequency attached by ClinVar (database versions not stated): ExAC 0.00001; gnomAD exomes 0.00001.
gnomAD v4.1: 10 of 1,614,204 alleles (0.00062%); highest among the groups gnomAD compares: Middle Eastern, 0.016%; no homozygotes.

Submission:

PreventionGenetics, part of Exact Sciences
Classification: Likely benign for TALDO1-related condition. Last evaluated: 2022-09-26. Review status: no assertion criteria provided. Collection method: clinical testing. Allele origin: germline.
Comment: This variant is classified as likely benign based on ACMG/AMP sequence variant interpretation guidelines (Richards et al. 2015 PMID: 25741868, with internal and published modifications).

NM_006755.2(TALDO1):c.432A>G (p.Ser144=)

Gene: TALDO1 (transaldolase 1; plus strand). Cytogenetic location: 11p15.5.
Variant type: single nucleotide variant.
Coding change: c.432A>G on transcript NM_006755.2 (MANE Select); coding-DNA position 432, A replaced by G.
Protein change: p.Ser144=; no amino-acid change (serine 144 retained).
Molecular consequence: synonymous variant.
Genome position (GRCh38, 1-based): chr11:760,224, A>G. VCF-style: chr11-760224-A-G. GRCh37 (hg19) VCF-style: chr11-760224-A-G.
Identifiers: ClinVar variation 3036389 (VCV003036389.2), dbSNP rs764070790, ClinGen allele CA5788133.